The following is an entry in ClinVar:

NM_145239.3(PRRT2):c.369G>T (p.Gly123=)

Genes: MVP-DT (MVP divergent transcript; minus strand), PRRT2 (proline rich transmembrane protein 2; plus strand). Cytogenetic location: 16p11.2.
Variant type: single nucleotide variant.
Coding change: c.369G>T on transcript NM_145239.3 (MANE Select); coding-DNA position 369, G replaced by T.
Protein change: p.Gly123=; no amino-acid change (glycine 123 retained).
Molecular consequence: synonymous variant.
Genome position (GRCh38, 1-based): chr16:29,813,423, G>T. VCF-style: chr16-29813423-G-T. GRCh37 (hg19) VCF-style: chr16-29824744-G-T.
Other names: c.369G>T, p.Gly123= (NM_001256442.2, NM_001256443.2).
Identifiers: ClinVar variation 381262 (VCV000381262.11), dbSNP rs1057521000, ClinGen allele CA16607391.

ClinVar aggregate classification (germline): Likely benign. Review status: criteria provided, multiple submitters, no conflicts (2 of 4 stars). 2 submissions from 2 submitters: Likely benign (2). Last evaluated 2022-08-09.

Conditions:
Episodic kinesigenic dyskinesia (EKD). Also called: Paroxysmal kinesigenic dyskinesia. Identifiers: Orphanet 98809, MedGen C1868682, MONDO:0044202.

gnomAD v4.1: 4 of 1,614,108 alleles (0.00025%); highest among the groups gnomAD compares: Non-Finnish European, 0.00034%; no homozygotes.

Submissions (2):

Labcorp Genetics (formerly Invitae), Labcorp
Classification: Likely benign for Episodic kinesigenic dyskinesia. Last evaluated: 2022-08-09. Review status: criteria provided, single submitter. Criteria: Invitae Variant Classification Sherloc (09022015). Collection method: clinical testing. Allele origin: germline.

GeneDx
Classification: Likely benign. Last evaluated: 2015-11-02. Review status: criteria provided, single submitter. Criteria: GeneDx Variant Classification (06012015). Collection method: clinical testing. Allele origin: germline. Affected: yes.
Comment: This variant is considered likely benign or benign based on one or more of the following criteria: it is a conservative change, it occurs at a poorly conserved position in the protein, it is predicted to be benign by multiple in silico algorithms, and/or has population frequency not consistent with disease.